The following is an entry in ClinVar:

ClinVar aggregate classification (germline): Likely pathogenic (1 of 4 stars; one submission).

Submission:

GeneDx
Classification: Likely pathogenic. Last evaluated: 2025-01-08. Review status: criteria provided, single submitter. Criteria: GeneDx Variant Classification Process June 2021. Collection method: clinical testing. Allele origin: germline. Affected: yes.
Comment: Has not been previously published as pathogenic or benign to our knowledge; Not observed at significant frequency in large population cohorts (gnomAD); Located in the A-band, a region of TTN for which truncating variants are significantly associated with autosomal dominant cardiomyopathy and also with autosomal recessive skeletal myopathies (PMID: 22335739, 32778822); Frameshift variant predicted to result in protein truncation or nonsense mediated decay in a gene for which loss of function is a known mechanism of disease; This variant is associated with the following publications: (PMID: 22335739, 32778822)

NM_001267550.2(TTN):c.64109del (p.Pro21370fs)

Genes: TTN (titin; minus strand), TTN-AS1 (TTN antisense RNA 1; plus strand). Cytogenetic location: 2q31.2.
Variant type: Deletion.
Coding change: c.64109del on transcript NM_001267550.2 (MANE Select); coding-DNA position 64109, one base deleted (C; older notation c.64109delC).
Protein change: p.Pro21370fs; shifts the reading frame from proline 21370.
Molecular consequence: frameshift variant.
Genome position (GRCh38, 1-based): chr2:178,586,792, G deleted on the plus strand (C on the coding strand, the reverse complement: TTN is on the minus strand); the first of 5 consecutive G bases (chr2:178,586,792-178,586,796); deleting any one gives the same sequence. VCF-style (leftmost placement, unchanged base first): chr2-178586791-TG-T. GRCh37 (hg19) VCF-style: chr2-179451518-TG-T.
Other names: c.59186del, p.Pro19729fs (NM_001256850.1); c.64105delC, p.Pro21370Glnfs (NM_001267550.1); c.36914del, p.Pro12305fs (NM_003319.4); c.56405del, p.Pro18802fs (NM_133378.4); c.37289del, p.Pro12430fs (NM_133432.3); c.37490del, p.Pro12497fs (NM_133437.4); short protein forms P12430fs, P12497fs, P12305fs, P18802fs, P19729fs, P21370fs.
Identifiers: ClinVar variation 4088191 (VCV004088191.1).
Genomic context (GRCh38, chr2:178,586,791, plus strand): 5'-GGGAGGTAACCAGGCTAAGGTGGCACTGTTCTTGGTCATTTCAGTCACTTCTAATTTCCT[TG>T]GGGGATCCGGCTCACCTAGAAGAAAAACATAATTTAGAAGATTACCTAGGTAACCTAATC-3'